The following is an entry in ClinVar:

ClinVar aggregate classification (germline): Uncertain significance (1 of 4 stars; one submission).

Allele frequency attached by ClinVar (database versions not stated): gnomAD exomes below 0.00001.
gnomAD v4.1: 2 of 1,611,192 alleles (0.00012%); highest among the groups gnomAD compares: Non-Finnish European, 0.00017%; no homozygotes.

Submission:

Ambry Genetics
Classification: Uncertain significance. Last evaluated: 2022-05-06. Review status: criteria provided, single submitter. Criteria: Ambry Variant Classification Scheme 2023. Collection method: clinical testing. Allele origin: germline.
Comment: The p.L1113F variant (also known as c.3339A>C), located in coding exon 28 of the PRKDC gene, results from an A to C substitution at nucleotide position 3339. The leucine at codon 1113 is replaced by phenylalanine, an amino acid with highly similar properties. This amino acid position is conserved. In addition, this alteration is predicted to be tolerated by in silico analysis. Since supporting evidence is limited at this time, the clinical significance of this alteration remains unclear.

NM_006904.7(PRKDC):c.3339A>C (p.Leu1113Phe)

Gene: PRKDC (protein kinase, DNA-activated, catalytic subunit; minus strand). Cytogenetic location: 8q11.21.
Variant type: single nucleotide variant.
Coding change: c.3339A>C on transcript NM_006904.7 (MANE Select); coding-DNA position 3339, A replaced by C.
Protein change: p.Leu1113Phe; replaces leucine 1113 with phenylalanine.
Molecular consequence: missense variant.
Genome position (GRCh38, 1-based): chr8:47,900,398, T>G on the plus strand (A>C on the coding strand, the complement: PRKDC is on the minus strand). VCF-style: chr8-47900398-T-G. GRCh37 (hg19) VCF-style: chr8-48812958-T-G.
Other names: c.3339A>C, p.Leu1113Phe (NM_001081640.2); short protein forms L1113F.
Identifiers: ClinVar variation 1730369 (VCV001730369.2), dbSNP rs2089657474, ClinGen allele CA371155567.